The following is an entry in ClinVar:

ClinVar aggregate classification (germline): Likely pathogenic. Review status: criteria provided, multiple submitters, no conflicts (2 of 4 stars). 3 submissions from 3 submitters: Likely pathogenic (2). 1 of the submissions does not count toward it. Last evaluated 2022-05-23.

Submissions (3):

Labcorp Genetics (formerly Invitae), Labcorp
Classification: Likely pathogenic. Last evaluated: 2022-05-23. Review status: criteria provided, single submitter. Criteria: Invitae Variant Classification Sherloc (09022015). Collection method: clinical testing. Allele origin: germline.
Comment: Algorithms developed to predict the effect of missense changes on protein structure and function (SIFT, PolyPhen-2, Align-GVGD) all suggest that this variant is likely to be disruptive. ClinVar contains an entry for this variant (Variation ID: 545058). This missense change has been observed in individual(s) with clinical features of Coffin-Siris syndrome (Invitae). In at least one individual the variant was observed to be de novo. This variant is not present in population databases (gnomAD no frequency). This sequence change replaces aspartic acid, which is acidic and polar, with valine, which is neutral and non-polar, at codon 1099 of the ARID1B protein (p.Asp1099Val). In summary, the currently available evidence indicates that the variant is pathogenic, but additional data are needed to prove that conclusively. Therefore, this variant has been classified as Likely Pathogenic.

CeGaT Center for Human Genetics Tuebingen
Classification: Likely pathogenic. Last evaluated: 2021-04-01. Review status: criteria provided, single submitter. Criteria: CeGaT Center For Human Genetics Tuebingen Variant Classification Criteria Version 2. Collection method: clinical testing. Allele origin: germline. Affected: yes. Observed: 1 variant allele.

Laboratory of Molecular Genetics (Pr. Bezieau's lab), CHU de Nantes
Classification: Likely pathogenic. Last evaluated: 2017-01-31. Review status: no assertion criteria provided. Collection method: clinical testing. Allele origin: germline. Affected: yes. Not counted in ClinVar's aggregate classification.

NM_001374828.1(ARID1B):c.3665A>T (p.Asp1222Val)

Gene: ARID1B (AT-rich interaction domain 1B; plus strand). Cytogenetic location: 6q25.3.
Variant type: single nucleotide variant.
Coding change: c.3665A>T on transcript NM_001374828.1 (MANE Select); coding-DNA position 3665, A replaced by T.
Protein change: p.Asp1222Val; replaces aspartic acid 1222 with valine.
Molecular consequence: missense variant.
Genome position (GRCh38, 1-based): chr6:157,181,129, A>T. VCF-style: chr6-157181129-A-T. GRCh37 (hg19) VCF-style: chr6-157502263-A-T.
Other names: c.3416A>T, p.Asp1139Val (NM_001346813.1); c.1166A>T, p.Asp389Val (NM_001363725.2); c.3545A>T, p.Asp1182Val (NM_001371656.1, NM_001374820.1); c.3506A>T, p.Asp1169Val (NM_017519.3); short protein forms D1139V, D389V, D1169V, D1182V, D1222V.
Identifiers: ClinVar variation 545058 (VCV000545058.40), dbSNP rs1554231259, ClinGen allele CA366228208.